The following is an entry in ClinVar:

ClinVar aggregate classification (germline): Benign/Likely benign. Review status: criteria provided, multiple submitters, no conflicts (2 of 4 stars). 7 submissions from 6 submitters: Benign (5); Likely benign (2). Last evaluated 2026-04-01.

Conditions:
Emery-Dreifuss muscular dystrophy 4, autosomal dominant (EDMD4). Also called: EMERY-DREIFUSS MUSCULAR DYSTROPHY 4 WITH VARIABLE FEATURES. Identifiers: Orphanet 261, MedGen C2751807, MONDO:0013071, OMIM 612998.
Autosomal recessive ataxia, Beauce type. Also called: SYNE1 Deficiency; SYNE1-Related Autosomal Recessive Cerebellar Ataxia; ATAXIA, RECESSIVE, OF BEAUCE; Spinocerebellar ataxia, autosomal recessive 8. Identifiers: Orphanet 88644, MedGen C1853116, MONDO:0012549, OMIM 610743.
Arthrogryposis multiplex congenita 3, myogenic type. Also called: ARTHROGRYPOSIS MULTIPLEX CONGENITA, MYOGENIC TYPE. Identifiers: MedGen C5193121, MONDO:0032778, OMIM 618484.

Allele frequency attached by ClinVar (database versions not stated): 1000 Genomes Project 0.00280; 1000 Genomes Project 30x 0.00297; ESP Exome Variant Server 0.00031; gnomAD 0.00073 and 0.00099; TOPMed 0.00113; gnomAD exomes 0.00178; ExAC 0.00179.
gnomAD v4.1: 913 of 1,614,040 alleles (0.057%); highest among the groups gnomAD compares: East Asian, 1.4%; 8 homozygotes.

Submissions (7):

CeGaT Center for Human Genetics Tuebingen
Classification: Likely benign. Last evaluated: 2026-04-01. Review status: criteria provided, single submitter. Criteria: CeGaT Center For Human Genetics Tuebingen Variant Classification Criteria Version 2. Collection method: clinical testing. Allele origin: germline. Affected: yes. Observed: 2 variant alleles.
Comment: SYNE1: BP4, BP7, BS1

Labcorp Genetics (formerly Invitae), Labcorp
Classification: Benign for Emery-Dreifuss muscular dystrophy 4, autosomal dominant; Autosomal recessive ataxia, Beauce type. Last evaluated: 2026-01-26. Review status: criteria provided, single submitter. Criteria: Invitae Variant Classification Sherloc (09022015). Collection method: clinical testing. Allele origin: germline.

Fulgent Genetics
Classification: Likely benign for Autosomal recessive ataxia, Beauce type; Emery-Dreifuss muscular dystrophy 4, autosomal dominant; Arthrogryposis multiplex congenita 3, myogenic type. Last evaluated: 2022-02-25. Review status: criteria provided, single submitter. Criteria: ACMG Guidelines, 2015. Collection method: clinical testing. Allele origin: unknown.

Illumina Laboratory Services, Illumina
Classification: Benign for Emery-Dreifuss muscular dystrophy 4, autosomal dominant. Last evaluated: 2018-01-12. Review status: criteria provided, single submitter. Criteria: ICSL Variant Classification Criteria 13 December 2019. Collection method: clinical testing. Allele origin: germline.
Comment: This variant was observed in the ICSL laboratory as part of a predisposition screen in an ostensibly healthy population. It had not been previously curated by ICSL or reported in the Human Gene Mutation Database (HGMD: prior to June 1st, 2018), and was therefore a candidate for classification through an automated scoring system. Utilizing variant allele frequency, disease prevalence and penetrance estimates, and inheritance mode, an automated score was calculated to assess if this variant is too frequent to cause the disease. Based on the score and internal cut-off values, a variant classified as benign is not then subjected to further curation. The score for this variant resulted in a classification of benign for this disease.

Illumina Laboratory Services, Illumina
Classification: Benign for Autosomal recessive ataxia, Beauce type. Last evaluated: 2018-01-12. Review status: criteria provided, single submitter. Criteria: ICSL Variant Classification Criteria 13 December 2019. Collection method: clinical testing. Allele origin: germline.
Comment: the same text as in the submission from Illumina Laboratory Services, Illumina above.

GeneDx
Classification: Benign. Last evaluated: 2016-07-27. Review status: criteria provided, single submitter. Criteria: GeneDx Variant Classification (06012015). Collection method: clinical testing. Allele origin: germline. Affected: yes.
Comment: This variant is considered likely benign or benign based on one or more of the following criteria: it is a conservative change, it occurs at a poorly conserved position in the protein, it is predicted to be benign by multiple in silico algorithms, and/or has population frequency not consistent with disease.

Eurofins Ntd Llc (ga)
Classification: Benign. Last evaluated: 2015-11-12. Review status: criteria provided, single submitter. Criteria: EGL Classification Definitions 2015. Collection method: clinical testing. Allele origin: germline. Observed: 1 variant allele, 1 heterozygote.

NM_182961.4(SYNE1):c.14163C>T (p.Asp4721=)

Gene: SYNE1 (spectrin repeat containing nuclear envelope protein 1; minus strand). Cytogenetic location: 6q25.2.
Variant type: single nucleotide variant.
Coding change: c.14163C>T on transcript NM_182961.4 (MANE Select); coding-DNA position 14163, C replaced by T.
Protein change: p.Asp4721=; no amino-acid change (aspartic acid 4721 retained).
Molecular consequence: synonymous variant.
Genome position (GRCh38, 1-based): chr6:152,330,522, G>A on the plus strand (C>T on the coding strand, the complement: SYNE1 is on the minus strand). VCF-style: chr6-152330522-G-A. GRCh37 (hg19) VCF-style: chr6-152651657-G-A.
Other names: c.13950C>T, p.Asp4650= (NM_033071.5).
Identifiers: ClinVar variation 284498 (VCV000284498.31), dbSNP rs3734366, ClinGen allele CA4056060.